The following is an entry in ClinVar:

ClinVar aggregate classification (germline): Uncertain significance (1 of 4 stars; one submission).

Conditions:
Fanconi anemia, complementation group W. Identifiers: MedGen C4521564, MONDO:0044325, OMIM 617784.

gnomAD v4.1: 6 of 1,598,284 alleles (0.00038%); highest among the groups gnomAD compares: Admixed American, 0.0091%; no homozygotes.

Submission:

St. Jude Molecular Pathology, St. Jude Children's Research Hospital
Classification: Uncertain significance for Fanconi anemia, complementation group W. Last evaluated: 2024-06-21. Review status: criteria provided, single submitter. Criteria: St. Jude Assertion Criteria 2020. Collection method: clinical testing. Allele origin: germline.
Comment: The RFWD3 c.1579C>A (p.Leu527Met) missense change has a maximum subpopulation frequency of 0.010% in gnomAD v2.1.1. The in silico tool REVEL predicts a benign effect of this variant on protein function, but to our knowledge functional studies have not been performed. To our knowledge, this variant has not been reported in individuals with Fanconi anemia. In summary, the evidence currently available is insufficient to determine the clinical significance of this variant. It has therefore been classified as of uncertain significance.

NM_018124.4(RFWD3):c.1579C>A (p.Leu527Met)

Gene: RFWD3 (ring finger and WD repeat domain 3; minus strand). Cytogenetic location: 16q23.1.
Variant type: single nucleotide variant.
Coding change: c.1579C>A on transcript NM_018124.4 (MANE Select); coding-DNA position 1579, C replaced by A.
Protein change: p.Leu527Met; replaces leucine 527 with methionine.
Molecular consequence: missense variant. On other transcripts: intron variant (1).
Genome position (GRCh38, 1-based): chr16:74,630,956, G>T on the plus strand (C>A on the coding strand, the complement: RFWD3 is on the minus strand). VCF-style: chr16-74630956-G-T. GRCh37 (hg19) VCF-style: chr16-74664854-G-T.
Other names: c.1579C>A, p.Leu527Met (NM_001370534.1, NM_001370535.1); c.745C>A, p.Leu249Met (NM_001370537.1, NM_001370539.1, NM_001370540.1 and 2 more transcripts); c.1577+1567C>A (NM_001370536.1); short protein forms L249M, L527M.
Identifiers: ClinVar variation 3377801 (VCV003377801.1).